The following is an entry in ClinVar:

NM_005562.3(LAMC2):c.1412C>G (p.Ser471Ter)

Gene: LAMC2 (laminin subunit gamma 2; plus strand). Cytogenetic location: 1q25.3.
Variant type: single nucleotide variant.
Coding change: c.1412C>G on transcript NM_005562.3 (MANE Select); coding-DNA position 1412, C replaced by G.
Protein change: p.Ser471Ter; replaces serine 471 with a stop codon.
Molecular consequence: nonsense.
Genome position (GRCh38, 1-based): chr1:183,227,641, C>G. VCF-style: chr1-183227641-C-G. GRCh37 (hg19) VCF-style: chr1-183196776-C-G.
Other names: c.1412C>G, p.Ser471Ter (NM_018891.3); short protein forms S471*.
Identifiers: ClinVar variation 984228 (VCV000984228.3), dbSNP rs1659667947, ClinGen allele CA343687933.

ClinVar aggregate classification (germline): Likely pathogenic (1 of 4 stars; one submission).

Conditions:
Junctional epidermolysis bullosa gravis of Herlitz. Also called: Herlitz-type junctional epidermolysis bullosa; Epidermolysis Bullosa Letalis; EPIDERMOLYSIS BULLOSA, JUNCTIONAL 1B, SEVERE; EPIDERMOLYSIS BULLOSA JUNCTIONALIS, HERLITZ TYPE; EPIDERMOLYSIS BULLOSA, JUNCTIONAL, HERLITZ-PEARSON TYPE; JEB-HERLITZ TYPE. Identifiers: Orphanet 79404, MedGen C0079683, MONDO:0009182, OMIM 226700.

Submission:

Myriad Genetics, Inc.
Classification: Likely pathogenic for Junctional epidermolysis bullosa gravis of Herlitz. Last evaluated: 2019-09-26. Review status: criteria provided, single submitter. Criteria: Myriad Women's Health Autosomal Recessive and X-Linked Classification Criteria (2019). Collection method: clinical testing. Allele origin: unknown.
Comment: NM_005562.2(LAMC2):c.1412C>G(S471*) is expected to be pathogenic in the context of junctional epidermolysis bullosa, LAMC2-related. This variant is predicted to lead to an abnormal or absent protein product due to the creation of a premature termination codon in LAMC2, a gene where loss-of-function variants are known to be pathogenic. Please note: this variant was assessed in the context of healthy population screening.